The following is an entry in ClinVar:

ClinVar aggregate classification (germline): Uncertain significance (1 of 4 stars; one submission).

Conditions:
Familial adenomatous polyposis 1 (FAP1). Also called: POLYPOSIS, ADENOMATOUS INTESTINAL; FAMILIAL ADENOMATOUS POLYPOSIS 1, ATTENUATED. Identifiers: MedGen C2713442, MONDO:0021056, OMIM 175100. Disease mechanism: loss of function.

Submission:

Labcorp Genetics (formerly Invitae), Labcorp
Classification: Uncertain significance for Familial adenomatous polyposis 1. Last evaluated: 2022-05-07. Review status: criteria provided, single submitter. Criteria: Invitae Variant Classification Sherloc (09022015). Collection method: clinical testing. Allele origin: germline.
Comment: This sequence change replaces lysine, which is basic and polar, with glutamic acid, which is acidic and polar, at codon 2052 of the APC protein (p.Lys2052Glu). This variant is not present in population databases (gnomAD no frequency). This variant has not been reported in the literature in individuals affected with APC-related conditions. Algorithms developed to predict the effect of missense changes on protein structure and function are either unavailable or do not agree on the potential impact of this missense change (SIFT: "Tolerated"; PolyPhen-2: "Possibly Damaging"; Align-GVGD: "Class C0"). In summary, the available evidence is currently insufficient to determine the role of this variant in disease. Therefore, it has been classified as a Variant of Uncertain Significance.

NM_000038.6(APC):c.6154A>G (p.Lys2052Glu)

Gene: APC (APC regulator of Wnt signaling pathway; plus strand). Cytogenetic location: 5q22.2.
Variant type: single nucleotide variant.
Coding change: c.6154A>G on transcript NM_000038.6 (MANE Select); coding-DNA position 6154, A replaced by G.
Protein change: p.Lys2052Glu; replaces lysine 2052 with glutamic acid.
Molecular consequence: missense variant.
Genome position (GRCh38, 1-based): chr5:112,841,748, A>G. VCF-style: chr5-112841748-A-G. GRCh37 (hg19) VCF-style: chr5-112177445-A-G.
Other names: c.6154A>G, p.Lys2052Glu (NM_001127510.3, NM_001354895.2, NM_001407450.1); c.6100A>G, p.Lys2034Glu (NM_001127511.3); c.6208A>G, p.Lys2070Glu (NM_001354896.2, NM_001407447.1, NM_001407448.1 and 1 more transcripts); c.6184A>G, p.Lys2062Glu (NM_001354897.2); c.6079A>G, p.Lys2027Glu (NM_001354898.2); c.6070A>G, p.Lys2024Glu (NM_001354899.2); c.6031A>G, p.Lys2011Glu (NM_001354900.2); c.5977A>G, p.Lys1993Glu (NM_001354901.2, NM_001407453.1); and 11 more; short protein forms K1892E, K1923E, K1926E, K1951E, K2034E, K2080E, K1961E, K2024E.
Identifiers: ClinVar variation 2134975 (VCV002134975.1), dbSNP rs1554087258, ClinGen allele CA16034807.